The following is an entry in ClinVar:

ClinVar aggregate classification (germline): Benign. Review status: criteria provided, multiple submitters, no conflicts (2 of 4 stars). 11 submissions from 11 submitters: Benign (9). 2 of the submissions do not count toward it. Last evaluated 2026-02-04.

Conditions:
Cardiovascular phenotype. Identifiers: MedGen CN230736.
Long QT syndrome (LQTS). Identifiers: MedGen C0023976, MeSH D008133, MONDO:0002442. Disease mechanism: loss of function. Inheritance: Various modes of inheritance.
Cardiac arrhythmia, ankyrin-B-related. Also called: ANKYRIN-B SYNDROME. Identifiers: Orphanet 101016, Orphanet 768, MedGen C1970119, MONDO:0010958, OMIM 600919.

Allele frequency attached by ClinVar (database versions not stated): 1000 Genomes Project 0.03894; 1000 Genomes Project 30x 0.04060; TOPMed 0.07177; gnomAD 0.07530 and 0.07670; gnomAD exomes 0.07925; ExAC 0.07960; ESP Exome Variant Server 0.08142.
gnomAD v4.1: 154,812 of 1,613,984 alleles (9.6%); highest among the groups gnomAD compares: Middle Eastern, 13%; 8,287 homozygotes.

Submissions (11):

Labcorp Genetics (formerly Invitae), Labcorp
Classification: Benign for Long QT syndrome. Last evaluated: 2026-02-04. Review status: criteria provided, single submitter. Criteria: Invitae Variant Classification Sherloc (09022015). Collection method: clinical testing. Allele origin: germline.

Molecular Diagnostic Laboratory for Inherited Cardiovascular Disease, Montreal Heart Institute
Classification: Benign. Last evaluated: 2025-04-09. Review status: criteria provided, single submitter. Criteria: ACMG Guidelines, 2015. Collection method: clinical testing. Allele origin: germline. Affected: no.

Blueprint Genetics
Classification: Benign. Last evaluated: 2024-11-26. Review status: criteria provided, single submitter. Criteria: ACMG Guidelines, 2015. Collection method: clinical testing. Allele origin: germline.

Genome-Nilou Lab
Classification: Benign for Cardiac arrhythmia, ankyrin-B-related. Last evaluated: 2021-12-05. Review status: criteria provided, single submitter. Criteria: ACMG Guidelines, 2015. Collection method: clinical testing. Allele origin: germline. Affected: no.

Illumina Laboratory Services, Illumina
Classification: Benign for Cardiac arrhythmia, ankyrin-B-related. Last evaluated: 2018-01-13. Review status: criteria provided, single submitter. Criteria: ICSL Variant Classification Criteria 13 December 2019. Collection method: clinical testing. Allele origin: germline.
Comment: This variant was observed in the ICSL laboratory as part of a predisposition screen in an ostensibly healthy population. It had not been previously curated by ICSL or reported in the Human Gene Mutation Database (HGMD: prior to June 1st, 2018), and was therefore a candidate for classification through an automated scoring system. Utilizing variant allele frequency, disease prevalence and penetrance estimates, and inheritance mode, an automated score was calculated to assess if this variant is too frequent to cause the disease. Based on the score and internal cut-off values, a variant classified as benign is not then subjected to further curation. The score for this variant resulted in a classification of benign for this disease.

Ambry Genetics
Classification: Benign for Cardiovascular phenotype. Last evaluated: 2015-06-12. Review status: criteria provided, single submitter. Criteria: Ambry Variant Classification Scheme 2023. Collection method: clinical testing. Allele origin: germline.

GeneDx
Classification: Benign. Last evaluated: 2015-03-03. Review status: criteria provided, single submitter. Criteria: GeneDx Variant Classification Process June 2021. Collection method: clinical testing. Allele origin: germline. Affected: yes.

Breakthrough Genomics
Classification: Benign. Review status: criteria provided, single submitter. Criteria: ACMG Guidelines, 2015. Collection method: not provided. Allele origin: germline. Inheritance: Autosomal dominant inheritance. Affected: yes.

PreventionGenetics, part of Exact Sciences
Classification: Benign. Review status: criteria provided, single submitter. Criteria: ACMG Guidelines, 2015. Collection method: clinical testing. Allele origin: germline.

Clinical Genetics, Academic Medical Center
Classification: Benign. Review status: no assertion criteria provided. Collection method: clinical testing. Allele origin: germline. Affected: yes. Study: VKGL Data-share Consensus. Not counted in ClinVar's aggregate classification.

Diagnostic Laboratory, Department of Genetics, University Medical Center Groningen
Classification: Benign for Cardiac arrhythmia, ankyrin-B-related. Review status: no assertion criteria provided. Collection method: clinical testing. Allele origin: germline. Affected: yes. Study: VKGL Data-share Consensus. Not counted in ClinVar's aggregate classification.

NM_001148.6(ANK2):c.5469C>T (p.Pro1823=)

Genes: ANK2 (ankyrin 2; plus strand), LOC126807136 (MED14-independent group 3 enhancer GRCh37_chr4:114274931-114276130; plus strand). Cytogenetic location: 4q26.
Variant type: single nucleotide variant.
Coding change: c.5469C>T on transcript NM_001148.6 (MANE Select); coding-DNA position 5469, C replaced by T.
Protein change: p.Pro1823=; no amino-acid change (proline 1823 retained).
Molecular consequence: synonymous variant. On other transcripts: intron variant (68).
Genome position (GRCh38, 1-based): chr4:113,354,087, C>T. VCF-style: chr4-113354087-C-T. GRCh37 (hg19) VCF-style: chr4-114275243-C-T.
Other names: c.5235C>T, p.Pro1745= (NM_001386142.1); c.1869C>T, p.Pro623= (NM_001386166.1); c.5610C>T, p.Pro1870= (NM_001386174.1); c.5586C>T, p.Pro1862= (NM_001386175.1); c.4411+3838C>T (NM_001386186.2, NM_001386148.2); c.4213+3838C>T (NM_001354269.3); c.4291+3838C>T (NM_001386187.2); c.4252+3838C>T (NM_001386147.1); and 36 more.
Identifiers: ClinVar variation 257580 (VCV000257580.26), dbSNP rs33966911, ClinGen allele CA3051237.